The following is an entry in ClinVar:

NM_014679.5(CEP57):c.733T>C (p.Phe245Leu)

Gene: CEP57 (centrosomal protein 57; plus strand). Cytogenetic location: 11q21.
Variant type: single nucleotide variant.
Coding change: c.733T>C on transcript NM_014679.5 (MANE Select); coding-DNA position 733, T replaced by C.
Protein change: p.Phe245Leu; replaces phenylalanine 245 with leucine.
Molecular consequence: missense variant. On other transcripts: intron variant (5).
Genome position (GRCh38, 1-based): chr11:95,821,904, T>C. VCF-style: chr11-95821904-T-C. GRCh37 (hg19) VCF-style: chr11-95555068-T-C.
Other names: c.582+3000T>C (NM_001440882.1); c.619-595T>C (NM_001440875.1); c.553T>C, p.Phe185Leu (NM_001440873.1); c.616T>C, p.Phe206Leu (NM_001440876.1, NM_001440872.1); c.535T>C, p.Phe179Leu (NM_001440877.1, NM_001440878.1); c.472T>C, p.Phe158Leu (NM_001440880.1); c.436T>C, p.Phe146Leu (NM_001440881.1); c.700-595T>C (NM_001440871.1); and 5 more; short protein forms F185L, F218L, F158L, F206L, F236L, F245L, F146L, F179L.
Identifiers: ClinVar variation 4226346 (VCV004226346.1).

ClinVar aggregate classification (germline): Uncertain significance (1 of 4 stars; one submission).

Conditions:
Inborn genetic diseases. Identifiers: MedGen C0950123, MeSH D030342.

Submission:

Ambry Genetics
Classification: Uncertain significance for Inborn genetic diseases. Last evaluated: 2025-07-07. Review status: criteria provided, single submitter. Criteria: Ambry Variant Classification Scheme 2023. Collection method: clinical testing. Allele origin: germline.
Comment: The p.F245L variant (also known as c.733T>C), located in coding exon 7 of the CEP57 gene, results from a T to C substitution at nucleotide position 733. The phenylalanine at codon 245 is replaced by leucine, an amino acid with highly similar properties. This amino acid position is conserved. In addition, this alteration is predicted to be tolerated by in silico analysis. Based on the available evidence, the clinical significance of this variant remains unclear.